The following is an entry in ClinVar:

NM_017755.6(NSUN2):c.2143G>A (p.Val715Ile)

Gene: NSUN2 (NOP2/Sun RNA methyltransferase 2; minus strand). Cytogenetic location: 5p15.31.
Variant type: single nucleotide variant.
Coding change: c.2143G>A on transcript NM_017755.6 (MANE Select); coding-DNA position 2143, G replaced by A.
Protein change: p.Val715Ile; replaces valine 715 with isoleucine.
Molecular consequence: missense variant. On other transcripts: non-coding transcript variant (1).
Genome position (GRCh38, 1-based): chr5:6,600,087, C>T on the plus strand (G>A on the coding strand, the complement: NSUN2 is on the minus strand). VCF-style: chr5-6600087-C-T. GRCh37 (hg19) VCF-style: chr5-6600200-C-T.
Other names: c.2038G>A, p.Val680Ile (NM_001193455.2); short protein forms V715I, V680I.
Identifiers: ClinVar variation 211757 (VCV000211757.59), dbSNP rs112951498, ClinGen allele CA205810.

ClinVar aggregate classification (germline): Conflicting classifications of pathogenicity. Review status: criteria provided, conflicting classifications (1 of 4 stars). 10 submissions from 10 submitters: Uncertain significance (1); Benign (1); Likely benign (8). Last evaluated 2026-08-01.

Conditions:
Inborn genetic diseases. Identifiers: MedGen C0950123, MeSH D030342.
Intellectual developmental disorder, autosomal recessive 5. Also called: Intellectual disability, autosomal recessive 5. Identifiers: Orphanet 88616, MedGen C1970199, MONDO:0012613, OMIM 611091.
Intellectual disability. Also called: Intellectual functioning disability; intellectual disabilities; Intellectual developmental disorder. Identifiers: MedGen C3714756, MeSH D008607, MONDO:0001071, HP:0001249.

Allele frequency attached by ClinVar (database versions not stated): 1000 Genomes Project 0.00120; 1000 Genomes Project 30x 0.00172; ExAC 0.00506; gnomAD exomes 0.00515 and 0.00827; gnomAD 0.00561 and 0.00574; ESP Exome Variant Server 0.00584; TOPMed 0.00584.
gnomAD v4.1: 12,797 of 1,614,208 alleles (0.79%); highest among the groups gnomAD compares: Non-Finnish European, 1%; 68 homozygotes.

Submissions (10):

CeGaT Center for Human Genetics Tuebingen
Classification: Likely benign. Last evaluated: 2026-08-01. Review status: criteria provided, single submitter. Criteria: CeGaT Center For Human Genetics Tuebingen Variant Classification Criteria Version 2. Collection method: clinical testing. Allele origin: germline. Affected: yes. Observed: 61 variant alleles.
Comment: NSUN2: BP4, BS2

Labcorp Genetics (formerly Invitae), Labcorp
Classification: Benign. Last evaluated: 2026-02-03. Review status: criteria provided, single submitter. Criteria: Invitae Variant Classification Sherloc (09022015). Collection method: clinical testing. Allele origin: germline.

Blueprint Genetics
Classification: Likely benign. Last evaluated: 2024-11-26. Review status: criteria provided, single submitter. Criteria: ACMG Guidelines, 2015. Collection method: clinical testing. Allele origin: germline.

GeneDx
Classification: Likely benign. Last evaluated: 2020-12-01. Review status: criteria provided, single submitter. Criteria: GeneDx Variant Classification Process June 2021. Collection method: clinical testing. Allele origin: germline. Affected: yes.

Cambridge Genomics Laboratory, East Genomic Laboratory Hub, NHS Genomic Medicine Service
Classification: Uncertain significance for Intellectual disability. Last evaluated: 2020-03-27. Review status: criteria provided, single submitter. Criteria: ACGS Best Practice Guidelines for Variant Classification in Rare Disease 2020. Collection method: clinical testing. Allele origin: germline. Affected: yes. Observed: 1 variant allele.

Ambry Genetics
Classification: Likely benign for Inborn genetic diseases. Last evaluated: 2018-07-02. Review status: criteria provided, single submitter. Criteria: Ambry Variant Classification Scheme 2023. Collection method: clinical testing. Allele origin: germline.

Illumina Laboratory Services, Illumina
Classification: Likely benign for Intellectual developmental disorder, autosomal recessive 5. Last evaluated: 2018-01-12. Review status: criteria provided, single submitter. Criteria: ICSL Variant Classification Criteria 13 December 2019. Collection method: clinical testing. Allele origin: germline.
Comment: This variant was observed in the ICSL laboratory as part of a predisposition screen in an ostensibly healthy population. It had not been previously curated by ICSL or reported in the Human Gene Mutation Database (HGMD: prior to June 1st, 2018), and was therefore a candidate for classification through an automated scoring system. Utilizing variant allele frequency, disease prevalence and penetrance estimates, and inheritance mode, an automated score was calculated to assess if this variant is too frequent to cause the disease. Based on the score and internal cut-off values, a variant classified as likely benign is not then subjected to further curation. The score for this variant resulted in a classification of likely benign for this disease.

Genetic Services Laboratory, University of Chicago
Classification: Likely benign. Last evaluated: 2017-07-06. Review status: criteria provided, single submitter. Criteria: ACMG Guidelines, 2015. Collection method: clinical testing. Allele origin: germline. Affected: no.

Center for Pediatric Genomic Medicine, Children's Mercy Hospital and Clinics
Classification: Likely benign. Last evaluated: 2016-05-17. Review status: criteria provided, single submitter. Criteria: ACMG Guidelines, 2015. Collection method: clinical testing. Allele origin: germline.
ClinVar note: Converted during submission from Likely Benign to Likely benign.

Breakthrough Genomics
Classification: Likely benign. Review status: criteria provided, single submitter. Criteria: ACMG Guidelines, 2015. Collection method: not provided. Allele origin: germline. Inheritance: Autosomal recessive inheritance. Affected: yes.